The following is an entry in ClinVar:

ClinVar aggregate classification (germline): Pathogenic/Likely pathogenic. Review status: criteria provided, multiple submitters, no conflicts (2 of 4 stars). 4 submissions from 4 submitters: Pathogenic (1); Likely pathogenic (3). Last evaluated 2025-07-16.

Conditions:
Hereditary cancer-predisposing syndrome. Also called: Hereditary Cancer Syndrome; Tumor predisposition; Neoplastic Syndromes, Hereditary; Hereditary neoplastic syndrome. Identifiers: Orphanet 140162, MedGen C0027672, MeSH D009386, MONDO:0015356.
Hereditary leiomyomatosis and renal cell cancer. Also called: MULTIPLE CUTANEOUS AND UTERINE LEIOMYOMATA 1, WITH OR WITHOUT RENAL CELL CARCINOMA; Reed syndrome; Multiple cutaneous and uterine leiomyomatosis; Cutaneous leiomyomata with uterine leiomyomata; Leiomyoma, hereditary multiple, of skin; Multiple cutaneous and uterine leiomyomata. Identifiers: Orphanet 523, MedGen C1708350, MONDO:0007888, OMIM 150800, HP:0007437. Disease mechanism: loss of function.

Submissions (5):

Myriad Genetics, Inc.
Classification: Likely pathogenic for Hereditary leiomyomatosis and renal cell cancer. Last evaluated: 2025-07-16. Review status: criteria provided, single submitter. Criteria: Myriad Autosomal Dominant, Autosomal Recessive and X-Linked Classification Criteria (2023). Collection method: clinical testing. Allele origin: unknown.
Comment: This variant is considered likely pathogenic. This variant has been reported in multiple individuals with clinical features of gene-specific disease [PMID: 16309500, 31444830, personal communications 2025]. Functional studies indicate this variant impacts protein function [PMID: 37255402]. This variant is expected to disrupt protein structure [Myriad internal data].

Women's Health and Genetics/Laboratory Corporation of America, LabCorp
Classification: Likely pathogenic for Hereditary leiomyomatosis and renal cell cancer. Last evaluated: 2024-12-10. Review status: criteria provided, single submitter. Criteria: LabCorp Variant Classification Summary - May 2015. Collection method: clinical testing. Allele origin: germline.
Comment: Variant summary: FH c.988A>C (p.Thr330Pro) results in a non-conservative amino acid change located in the Fumarate lyase, N-terminal (IPR022761) of the encoded protein sequence. Five of five in-silico tools predict a damaging effect of the variant on protein function. The variant was absent in 251276 control chromosomes. c.988A>C has been reported in the literature in individuals affected with Hereditary Leiomyomatosis And Renal Cell Cancer (example, Kim_2005, Chuang_2006, Zhang_2020, Truong_2021, Kamihara_2021, Internal testing). These data indicate that the variant is likely to be associated with disease. To our knowledge, no experimental evidence demonstrating an impact on protein function has been reported. ClinVar contains an entry for this variant (Variation ID: 575043). Based on the evidence outlined above, the variant was classified as likely pathogenic.

Labcorp Genetics (formerly Invitae), Labcorp
Classification: Likely pathogenic. Last evaluated: 2024-04-06. Review status: criteria provided, single submitter. Criteria: Invitae Variant Classification Sherloc (09022015). Collection method: clinical testing. Allele origin: germline.
Comment: This sequence change replaces threonine, which is neutral and polar, with proline, which is neutral and non-polar, at codon 330 of the FH protein (p.Thr330Pro). This variant is not present in population databases (gnomAD no frequency). This missense change has been observed in individuals with hereditary leiomyomatosis and/or renal cell cancer (PMID: 16309500, 16403393, 31444830, 34654685; Invitae). This variant is also known as T287P. ClinVar contains an entry for this variant (Variation ID: 575043). Advanced modeling of protein sequence and biophysical properties (such as structural, functional, and spatial information, amino acid conservation, physicochemical variation, residue mobility, and thermodynamic stability) performed at Invitae indicates that this missense variant is expected to disrupt FH protein function with a positive predictive value of 95%. In summary, the currently available evidence indicates that the variant is pathogenic, but additional data are needed to prove that conclusively. Therefore, this variant has been classified as Likely Pathogenic.

Ambry Genetics
Classification: Pathogenic for Hereditary cancer-predisposing syndrome. Last evaluated: 2024-02-15. Review status: criteria provided, single submitter. Criteria: Ambry Variant Classification Scheme 2023. Collection method: clinical testing. Allele origin: germline.
Comment: The p.T330P pathogenic mutation (also known as c.988A>C), located in coding exon 7 of the FH gene, results from an A to C substitution at nucleotide position 988. The threonine at codon 330 is replaced by proline, an amino acid with highly similar properties. Exp. Dermatol., 2006 Jan;31:118-21). Additionally, this alteration was identified in an individual diagnosed with an FH-deficient renal cell carcinoma (Zhang L et al. Hum Mutat, 2020 01;41:103-109). It has also been reported in an individual with early-onset renal cancer (Truong H et al. Eur Urol Oncol. 2021 Dec;4(6):993-1000 and an individual with PGL/PCC (Zavoshi S. et al Urology. 2023 Jun;176:106-114). This alteration has been observed in multiple individuals with a personal and/or family history that is consistent with FH-related disease (Ambry internal data; external communication). This variant was not reported in population-based cohorts in the Genome Aggregation Database (gnomAD). This amino acid position is highly conserved in available vertebrate species. In addition, this alteration is predicted to be deleterious by in silico analysis. Based on the supporting evidence, this alteration is interpreted as a disease-causing mutation.

Blake Wilde Laboratory, Roswell Park Comprehensive Cancer Center
No classification provided (evidence only). Condition: Hereditary leiomyomatosis and renal cell cancer. Review status: no classification provided. Collection method: in vitro. Allele origin: not applicable. Functional consequence: decreased enzyme activity. Not counted in ClinVar's aggregate classification.

Literature cited by the submitters: PubMed 16309500 (cited by 4 submitters); PubMed 31444830 (cited by 4 submitters); PubMed 37255402 (cited by Myriad Genetics, Inc.); PubMed 34994643 (cited by Women's Health and Genetics/Laboratory Corporation of America, LabCorp); PubMed 34654685 (cited by 3 submitters); PubMed 16403393 (cited by Women's Health and Genetics/Laboratory Corporation of America, LabCorp and Labcorp Genetics (formerly Invitae), Labcorp); PubMed 21445611 (cited by Ambry Genetics); PubMed 36773955 (cited by Ambry Genetics).

NM_000143.4(FH):c.988A>C (p.Thr330Pro)

Gene: FH (fumarate hydratase; minus strand). Cytogenetic location: 1q43.
Variant type: single nucleotide variant.
Coding change: c.988A>C on transcript NM_000143.4 (MANE Select); coding-DNA position 988, A replaced by C.
Protein change: p.Thr330Pro; replaces threonine 330 with proline.
Molecular consequence: missense variant.
Genome position (GRCh38, 1-based): chr1:241,504,162, T>G on the plus strand (A>C on the coding strand, the complement: FH is on the minus strand). VCF-style: chr1-241504162-T-G. GRCh37 (hg19) VCF-style: chr1-241667462-T-G.
Other names: short protein forms T330P.
Identifiers: ClinVar variation 575043 (VCV000575043.16), dbSNP rs776313200, ClinGen allele CA345438274.